The following is an entry in ClinVar:

NM_144991.3(TSPEAR):c.44C>T (p.Ala15Val)

Gene: TSPEAR (thrombospondin type laminin G domain and EAR repeats; minus strand). Cytogenetic location: 21q22.3.
Variant type: single nucleotide variant.
Coding change: c.44C>T on transcript NM_144991.3 (MANE Select); coding-DNA position 44, C replaced by T.
Protein change: p.Ala15Val; replaces alanine 15 with valine.
Molecular consequence: missense variant. On other transcripts: 5 prime UTR variant (1).
Genome position (GRCh38, 1-based): chr21:44,711,471, G>A on the plus strand (C>T on the coding strand, the complement: TSPEAR is on the minus strand). VCF-style: chr21-44711471-G-A. GRCh37 (hg19) VCF-style: chr21-46131386-G-A.
Other names: c.-223C>T (NM_001272037.2); short protein forms A15V.
Identifiers: ClinVar variation 228053 (VCV000228053.46), dbSNP rs150107590, ClinGen allele CA10061753.

ClinVar aggregate classification (germline): Benign/Likely benign. Review status: criteria provided, multiple submitters, no conflicts (2 of 4 stars). 8 submissions from 8 submitters: Benign (2); Likely benign (5). 1 of the submissions does not count toward it. Last evaluated 2026-03-01.

Conditions:
TSPEAR-related disorder. Also called: TSPEAR-related condition.
Autosomal recessive nonsyndromic hearing loss 98. Also called: Deafness, autosomal recessive 98. Identifiers: Orphanet 90636, MedGen C3553932, MONDO:0013929, OMIM 614861.

Allele frequency attached by ClinVar (database versions not stated): ESP Exome Variant Server 0.00138; gnomAD 0.00180 and 0.00190; TOPMed 0.00230; 1000 Genomes Project 0.00280; 1000 Genomes Project 30x 0.00375.
gnomAD v4.1: 3,982 of 1,611,590 alleles (0.25%); highest among the groups gnomAD compares: Middle Eastern, 0.68%; 11 homozygotes.

Submissions (8):

CeGaT Center for Human Genetics Tuebingen
Classification: Likely benign. Last evaluated: 2026-03-01. Review status: criteria provided, single submitter. Criteria: CeGaT Center For Human Genetics Tuebingen Variant Classification Criteria Version 2. Collection method: clinical testing. Allele origin: germline. Affected: yes. Observed: 2 variant alleles.
Comment: TSPEAR: BP4, BS2

Labcorp Genetics (formerly Invitae), Labcorp
Classification: Likely benign. Last evaluated: 2026-01-24. Review status: criteria provided, single submitter. Criteria: Invitae Variant Classification Sherloc (09022015). Collection method: clinical testing. Allele origin: germline.

Blueprint Genetics
Classification: Likely benign. Last evaluated: 2024-11-28. Review status: criteria provided, single submitter. Criteria: ACMG Guidelines, 2015. Collection method: clinical testing. Allele origin: germline.

Dubai Health Genomic Medicine Center, Dubai Health
Classification: Likely benign for Autosomal recessive nonsyndromic hearing loss 98. Last evaluated: 2020-02-11. Review status: criteria provided, single submitter. Criteria: ACMG Guidelines, 2015. Collection method: clinical testing. Allele origin: germline. Affected: yes.

GeneDx
Classification: Benign. Last evaluated: 2018-06-28. Review status: criteria provided, single submitter. Criteria: GeneDx Variant Classification Process June 2021. Collection method: clinical testing. Allele origin: germline. Affected: yes.

Laboratory for Molecular Medicine, Mass General Brigham Personalized Medicine
Classification: Benign. Last evaluated: 2017-04-13. Review status: criteria provided, single submitter. Criteria: LMM Criteria. Collection method: clinical testing. Allele origin: germline. Observed: 8 variant alleles.
Comment: p.Ala15Val in exon 1 of TSPEAR: This variant is not expected to have clinical si gnificance because it has been identified in 0.4% (118/30330) of South Asian chr omosomes including 1 homozygote by the Genome Aggregation Database (gnomAD; dbSNP rs150107590).

Breakthrough Genomics
Classification: Likely benign. Review status: criteria provided, single submitter. Criteria: ACMG Guidelines, 2015. Collection method: not provided. Allele origin: germline. Inheritance: Autosomal recessive inheritance. Affected: yes.

PreventionGenetics, part of Exact Sciences
Classification: Likely benign for TSPEAR-related condition. Last evaluated: 2021-09-27. Review status: no assertion criteria provided. Collection method: clinical testing. Allele origin: germline. Not counted in ClinVar's aggregate classification.
Comment: This variant is classified as likely benign based on ACMG/AMP sequence variant interpretation guidelines (Richards et al. 2015 PMID: 25741868, with internal and published modifications).